The following is an entry in ClinVar:

NM_000170.3(GLDC):c.466G>T (p.Gly156Ter)

Gene: GLDC (glycine decarboxylase; minus strand). Cytogenetic location: 9p24.1.
Variant type: single nucleotide variant.
Coding change: c.466G>T on transcript NM_000170.3 (MANE Select); coding-DNA position 466, G replaced by T.
Protein change: p.Gly156Ter; replaces glycine 156 with a stop codon.
Molecular consequence: nonsense.
Genome position (GRCh38, 1-based): chr9:6,620,188, C>A on the plus strand (G>T on the coding strand, the complement: GLDC is on the minus strand). VCF-style: chr9-6620188-C-A. GRCh37 (hg19) VCF-style: chr9-6620188-C-A.
Other names: short protein forms G156*.
Identifiers: ClinVar variation 984334 (VCV000984334.3), dbSNP rs1819058509, ClinGen allele CA372879064.
Genomic context (GRCh38, chr9:6,620,188, plus strand): 5'-TGGAGAGAATTATGCAAATCACAGTCATCCTGTTCCTGAACTGAGAAATACATTACCATC[C>A]TGAGTTCTCCAGTAAGTTCCGCAAAATCGTCTGTGGCACTGAGCAGTTATAATAGCCCAT-3'

ClinVar aggregate classification (germline): Likely pathogenic (1 of 4 stars; one submission).

Conditions:
Glycine encephalopathy. Also called: Non-ketotic hyperglycinemia; Nonketotic hyperglycinemia. Identifiers: Orphanet 407, MedGen C0751748, MONDO:0011612, HP:0008288.

Submission:

Myriad Genetics, Inc.
Classification: Likely pathogenic for Glycine encephalopathy 1. Last evaluated: 2019-11-04. Review status: criteria provided, single submitter. Criteria: Myriad Women's Health Autosomal Recessive and X-Linked Classification Criteria (2019). Collection method: clinical testing. Allele origin: unknown.
Comment: NM_000170.2(GLDC):c.466G>T(G156*) is expected to be pathogenic in the context of GLDC-related glycine encephalopathy. This variant is predicted to lead to an abnormal or absent protein product due to the creation of a premature termination codon in GLDC, a gene where loss-of-function variants are known to be pathogenic. Please note: this variant was assessed in the context of healthy population screening.